The following is an entry in ClinVar:

ClinVar aggregate classification (germline): Uncertain significance. Review status: criteria provided, multiple submitters, no conflicts (2 of 4 stars). 2 submissions from 2 submitters: Uncertain significance (2). Last evaluated 2024-02-19.

Allele frequency attached by ClinVar (database versions not stated): TOPMed below 0.00001; gnomAD exomes 0.00001; ExAC 0.00002.
gnomAD v4.1: 6 of 1,601,372 alleles (0.00037%); highest among the groups gnomAD compares: Non-Finnish European, 0.00043%; no homozygotes.

Submissions (2):

Labcorp Genetics (formerly Invitae), Labcorp
Classification: Uncertain significance. Last evaluated: 2024-02-19. Review status: criteria provided, single submitter. Criteria: Invitae Variant Classification Sherloc (09022015). Collection method: clinical testing. Allele origin: germline.
Comment: This sequence change replaces serine, which is neutral and polar, with asparagine, which is neutral and polar, at codon 727 of the ITGAM protein (p.Ser727Asn). This variant is present in population databases (rs757491512, gnomAD 0.002%). This variant has not been reported in the literature in individuals affected with ITGAM-related conditions. ClinVar contains an entry for this variant (Variation ID: 2398505). Algorithms developed to predict the effect of missense changes on protein structure and function output the following: SIFT: "Not Available"; PolyPhen-2: "Benign"; Align-GVGD: "Not Available". The asparagine amino acid residue is found in multiple mammalian species, which suggests that this missense change does not adversely affect protein function. In summary, the available evidence is currently insufficient to determine the role of this variant in disease. Therefore, it has been classified as a Variant of Uncertain Significance.

Ambry Genetics
Classification: Uncertain significance. Last evaluated: 2022-06-27. Review status: criteria provided, single submitter. Criteria: Ambry Variant Classification Scheme 2023. Collection method: clinical testing. Allele origin: germline.

NM_000632.4(ITGAM):c.2180G>A (p.Ser727Asn)

Gene: ITGAM (integrin subunit alpha M; plus strand). Cytogenetic location: 16p11.2.
Variant type: single nucleotide variant.
Coding change: c.2180G>A on transcript NM_000632.4 (MANE Select); coding-DNA position 2180, G replaced by A.
Protein change: p.Ser727Asn; replaces serine 727 with asparagine.
Molecular consequence: missense variant.
Genome position (GRCh38, 1-based): chr16:31,324,673, G>A. VCF-style: chr16-31324673-G-A. GRCh37 (hg19) VCF-style: chr16-31335994-G-A.
Other names: c.2183G>A, p.Ser728Asn (NM_001145808.2); short protein forms S728N, S727N.
Identifiers: ClinVar variation 2398505 (VCV002398505.5), dbSNP rs757491512, ClinGen allele CA8025752.